The following is an entry in ClinVar:

NM_138413.4(HOGA1):c.599G>A (p.Gly200Asp)

Gene: HOGA1 (4-hydroxy-2-oxoglutarate aldolase 1; plus strand). Cytogenetic location: 10q24.2.
Variant type: single nucleotide variant.
Coding change: c.599G>A on transcript NM_138413.4 (MANE Select); coding-DNA position 599, G replaced by A.
Protein change: p.Gly200Asp; replaces glycine 200 with aspartic acid.
Molecular consequence: missense variant. On other transcripts: intron variant (1).
Genome position (GRCh38, 1-based): chr10:97,599,810, G>A. VCF-style: chr10-97599810-G-A. GRCh37 (hg19) VCF-style: chr10-99359567-G-A.
Other names: c.212-2047G>A (NM_001134670.2); short protein forms G200D.
Identifiers: ClinVar variation 2664096 (VCV002664096.2), dbSNP rs376747234, ClinGen allele CA5634163.

ClinVar aggregate classification (germline): Uncertain significance. Review status: criteria provided, multiple submitters, no conflicts (2 of 4 stars). 2 submissions from 2 submitters: Uncertain significance (2). Last evaluated 2023-10-27.

Conditions:
Primary hyperoxaluria type 3. Also called: PH III. Identifiers: Orphanet 416, Orphanet 93600, MedGen C3150878, MONDO:0013327, OMIM 613616. Disease mechanism: loss of function.

Allele frequency attached by ClinVar (database versions not stated): gnomAD 0.00001; TOPMed 0.00001; ESP Exome Variant Server 0.00008.
gnomAD v4.1: 22 of 1,614,098 alleles (0.0014%); highest among the groups gnomAD compares: African/African-American, 0.0027%; no homozygotes.

Submissions (2):

Rare Kidney Stone Consortium and the Mayo Clinic Hyperoxaluria Center, Mayo Clinic
Classification: Uncertain significance for Primary hyperoxaluria type 3. Last evaluated: 2023-10-27. Review status: criteria provided, single submitter. Criteria: ACMG Guidelines, 2015. Collection method: curation. Allele origin: germline.
Comment: ACMG:PP3 BP1

Blueprint Genetics
Classification: Uncertain significance. Last evaluated: 2020-11-27. Review status: criteria provided, single submitter. Criteria: ACMG Guidelines, 2015. Collection method: clinical testing. Allele origin: germline.

Literature cited by the submitters: PubMed 25644115 (cited by Rare Kidney Stone Consortium and the Mayo Clinic Hyperoxaluria Center, Mayo Clinic).